The following is an entry in ClinVar:

NM_138694.4(PKHD1):c.5858del (p.Leu1953fs)

Gene: PKHD1 (PKHD1 ciliary IPT domain containing fibrocystin/polyductin; minus strand). Cytogenetic location: 6p12.2.
Variant type: Deletion.
Coding change: c.5858del on transcript NM_138694.4 (MANE Select); coding-DNA position 5858, one base deleted (T; older notation c.5858delT).
Protein change: p.Leu1953fs; shifts the reading frame from leucine 1953.
Molecular consequence: frameshift variant.
Genome position (GRCh38, 1-based): chr6:51,959,920, A deleted on the plus strand (T on the coding strand, the reverse complement: PKHD1 is on the minus strand); the first of 2 consecutive A bases (chr6:51,959,920-51,959,921); deleting either gives the same sequence. VCF-style (leftmost placement, unchanged base first): chr6-51959919-CA-C. GRCh37 (hg19) VCF-style: chr6-51824717-CA-C.
Other names: c.5858del, p.Leu1953fs (NM_170724.3); short protein forms L1953fs.
Identifiers: ClinVar variation 1451466 (VCV001451466.6), dbSNP rs2127946739, ClinGen allele CA2573140948.

ClinVar aggregate classification (germline): Pathogenic (1 of 4 stars; one submission).

Conditions:
Autosomal recessive polycystic kidney disease (ARPKD). Also called: AR polycystic kidney disease. Identifiers: Orphanet 731, Orphanet 8378, MedGen C0085548, MeSH D017044, MONDO:0009889.

Submission:

Labcorp Genetics (formerly Invitae), Labcorp
Classification: Pathogenic for Autosomal recessive polycystic kidney disease. Last evaluated: 2021-09-09. Review status: criteria provided, single submitter. Criteria: Invitae Variant Classification Sherloc (09022015). Collection method: clinical testing. Allele origin: germline.
Comment: This sequence change creates a premature translational stop signal (p.Leu1953Cysfs*21) in the PKHD1 gene. It is expected to result in an absent or disrupted protein product. Loss-of-function variants in PKHD1 are known to be pathogenic (PMID: 19940839). This variant has not been reported in the literature in individuals affected with PKHD1-related conditions. This variant is not present in population databases (ExAC no frequency). For these reasons, this variant has been classified as Pathogenic.

Literature cited by the submitters: PubMed 19940839.